The following is an entry in ClinVar:

ClinVar aggregate classification (germline): Uncertain significance. Review status: criteria provided, multiple submitters, no conflicts (2 of 4 stars). 2 submissions from 2 submitters: Uncertain significance (2). Last evaluated 2025-05-23.

Conditions:
Inborn genetic diseases. Identifiers: MedGen C0950123, MeSH D030342.

Allele frequency attached by ClinVar (database versions not stated): gnomAD 0.00003; gnomAD exomes 0.00005; TOPMed 0.00004; ESP Exome Variant Server 0.00008; ExAC 0.00003.
gnomAD v4.1: 77 of 1,614,006 alleles (0.0048%); highest among the groups gnomAD compares: South Asian, 0.011%; no homozygotes.

Submissions (2):

Ambry Genetics
Classification: Uncertain significance for Inborn genetic diseases. Last evaluated: 2025-05-23. Review status: criteria provided, single submitter. Criteria: Ambry Variant Classification Scheme 2023. Collection method: clinical testing. Allele origin: germline.

Labcorp Genetics (formerly Invitae), Labcorp
Classification: Uncertain significance. Last evaluated: 2022-07-03. Review status: criteria provided, single submitter. Criteria: Invitae Variant Classification Sherloc (09022015). Collection method: clinical testing. Allele origin: germline.
Comment: This sequence change replaces arginine, which is basic and polar, with glutamine, which is neutral and polar, at codon 1007 of the LRRK1 protein (p.Arg1007Gln). This variant is present in population databases (rs367709807, gnomAD 0.009%). This variant has not been reported in the literature in individuals affected with LRRK1-related conditions. Algorithms developed to predict the effect of missense changes on protein structure and function (SIFT, PolyPhen-2, Align-GVGD) all suggest that this variant is likely to be tolerated. Algorithms developed to predict the effect of sequence changes on RNA splicing suggest that this variant may create or strengthen a splice site. In summary, the available evidence is currently insufficient to determine the role of this variant in disease. Therefore, it has been classified as a Variant of Uncertain Significance.

NM_024652.6(LRRK1):c.3020G>A (p.Arg1007Gln)

Genes: LRRK1 (leucine rich repeat kinase 1; plus strand), LRRK1-AS1 (LRRK1 antisense RNA 1; minus strand). Cytogenetic location: 15q26.3.
Variant type: single nucleotide variant.
Coding change: c.3020G>A on transcript NM_024652.6 (MANE Select); coding-DNA position 3020, G replaced by A.
Protein change: p.Arg1007Gln; replaces arginine 1007 with glutamine.
Molecular consequence: missense variant.
Genome position (GRCh38, 1-based): chr15:101,046,037, G>A. VCF-style: chr15-101046037-G-A. GRCh37 (hg19) VCF-style: chr15-101586242-G-A.
Other names: c.3020G>A (NM_024652.3); short protein forms R1007Q.
Identifiers: ClinVar variation 2172447 (VCV002172447.2), dbSNP rs367709807, ClinGen allele CA7761418.